The following is an entry in ClinVar:

NM_001349338.3(FOXP1):c.18G>T (p.Gly6=)

Gene: FOXP1 (forkhead box P1; minus strand). Cytogenetic location: 3p13.
Variant type: single nucleotide variant.
Coding change: c.18G>T on transcript NM_001349338.3 (MANE Select); coding-DNA position 18, G replaced by T.
Protein change: p.Gly6=; no amino-acid change (glycine 6 retained).
Molecular consequence: synonymous variant. On other transcripts: non-coding transcript variant (2).
Genome position (GRCh38, 1-based): chr3:71,198,364, C>A on the plus strand (G>T on the coding strand, the complement: FOXP1 is on the minus strand). VCF-style: chr3-71198364-C-A. GRCh37 (hg19) VCF-style: chr3-71247515-C-A.
Other names: c.18G>T, p.Gly6= (NM_001012505.2, NM_001244808.3, NM_001244810.2 and 7 more transcripts).
Identifiers: ClinVar variation 2580719 (VCV002580719.1), dbSNP rs1470848594, ClinGen allele CA434326008.

ClinVar aggregate classification (germline): Uncertain significance (1 of 4 stars; one submission).

Allele frequency attached by ClinVar (database versions not stated): gnomAD exomes below 0.00001; gnomAD 0.00001.
gnomAD v4.1: 4 of 1,611,866 alleles (0.00025%); highest among the groups gnomAD compares: African/African-American, 0.0013%; no homozygotes.

Submission:

GeneDx
Classification: Uncertain significance. Last evaluated: 2023-03-25. Review status: criteria provided, single submitter. Criteria: GeneDx Variant Classification Process June 2021. Collection method: clinical testing. Allele origin: germline. Affected: yes.
Comment: Not observed at significant frequency in large population cohorts (gnomAD); In silico analysis supports that this variant does not alter splicing; Has not been previously published as pathogenic or benign to our knowledge